The following is an entry in ClinVar:

NM_001022.4(RPS19):c.392T>G (p.Leu131Arg)

Genes: RPS19 (ribosomal protein S19; plus strand), RPS19-CD79A (RPS19-CD79A readthrough; plus strand). Cytogenetic location: 19q13.2.
Variant type: single nucleotide variant.
Coding change: c.392T>G on transcript NM_001022.4 (MANE Select); coding-DNA position 392, T replaced by G.
Protein change: p.Leu131Arg; replaces leucine 131 with arginine.
Molecular consequence: missense variant. On other transcripts: synonymous variant (1).
Genome position (GRCh38, 1-based): chr19:41,869,734, T>G. VCF-style: chr19-41869734-T-G. GRCh37 (hg19) VCF-style: chr19-42373804-T-G.
Other names: c.392T>G, p.Leu131Arg (NM_001321483.2, NM_001321484.2); c.405T>G, p.Ser135= (NM_001321485.2); short protein forms L131R.
Identifiers: ClinVar variation 2736900 (VCV002736900.3), dbSNP rs2513685076, ClinGen allele CA406030720.
Genomic context (GRCh38, chr19:41,869,734, plus strand): 5'-CTGCATGACCCTTCCCTCCCCACAGCGGCCGCAAACTGACACCTCAGGGACAAAGAGATC[T>G]GGACAGAATCGCCGGACAGGTAAGGCCTGCGTTTGGGGTGGGGCTGGGTCCCTTAGTCGC-3'
Protein context (NP_001013.1, residues 121-141): RKLTPQGQRD[Leu131Arg]DRIAGQVAAA

ClinVar aggregate classification (germline): Uncertain significance (1 of 4 stars; one submission).

Conditions:
Diamond-Blackfan anemia. Also called: Blackfan Diamond syndrome; Aregenerative anemia chronic congenital; Red cell aplasia, pure hereditary; Congenital hypoplastic anemia; Aase syndrome. Identifiers: Orphanet 124, MedGen C1260899, MeSH D029503, MONDO:0015253, HP:0004810.

Submission:

Labcorp Genetics (formerly Invitae), Labcorp
Classification: Uncertain significance for Diamond-Blackfan anemia. Last evaluated: 2023-05-27. Review status: criteria provided, single submitter. Criteria: Invitae Variant Classification Sherloc (09022015). Collection method: clinical testing. Allele origin: germline.
Comment: This sequence change replaces leucine, which is neutral and non-polar, with arginine, which is basic and polar, at codon 131 of the RPS19 protein (p.Leu131Arg). This variant is not present in population databases (gnomAD no frequency). This missense change has been observed in individual(s) with Diamond-Blackfan anemia (PMID: 15384984). An algorithm developed to predict the effect of missense changes on protein structure and function (PolyPhen-2) suggests that this variant is likely to be disruptive. Experimental studies have shown that this missense change affects RPS19 function (PMID: 18217898). In summary, the available evidence is currently insufficient to determine the role of this variant in disease. Therefore, it has been classified as a Variant of Uncertain Significance.

Literature cited by the submitters: PubMed 15384984; PubMed 18217898.